The following is an entry in ClinVar:

ClinVar aggregate classification (germline): Uncertain significance (1 of 4 stars; one submission).

Conditions:
SPTBN1-related disorder. Also called: SPTBN1-related condition.

Allele frequency attached by ClinVar (database versions not stated): ExAC 0.00001.
gnomAD v4.1: 1 of 1,614,188 alleles (0.000062%); highest among the groups gnomAD compares: Non-Finnish European, 0.000085%; no homozygotes.

Submission:

PreventionGenetics, part of Exact Sciences
Classification: Uncertain significance for SPTBN1-related condition. Last evaluated: 2023-08-23. Review status: criteria provided, single submitter. Criteria: ACMG Guidelines, 2015. Collection method: clinical testing. Allele origin: germline.
Comment: The SPTBN1 c.616A>G variant is predicted to result in the amino acid substitution p.Met206Val. To our knowledge, this variant has not been reported in the literature. This variant is reported in 0.00088% of alleles in individuals of European (Non-Finnish) descent in gnomAD. This variant occurs in the CH2 domain, where multiple missense variants have been associated with disease (Cousin et al 2021. PubMed ID: 34211179). At this time, the clinical significance of this variant is uncertain due to the absence of conclusive functional and genetic evidence.

NM_003128.3(SPTBN1):c.616A>G (p.Met206Val)

Gene: SPTBN1 (spectrin beta, non-erythrocytic 1; plus strand). Cytogenetic location: 2p16.2.
Variant type: single nucleotide variant.
Coding change: c.616A>G on transcript NM_003128.3 (MANE Select); coding-DNA position 616, A replaced by G.
Protein change: p.Met206Val; replaces methionine 206 with valine.
Molecular consequence: missense variant.
Genome position (GRCh38, 1-based): chr2:54,617,657, A>G. VCF-style: chr2-54617657-A-G. GRCh37 (hg19) VCF-style: chr2-54844794-A-G.
Other names: c.577A>G, p.Met193Val (NM_178313.3); short protein forms M193V, M206V.
Identifiers: ClinVar variation 2631672 (VCV002631672.1), dbSNP rs756750187, ClinGen allele CA1660154.